The following is an entry in ClinVar:

ClinVar aggregate classification (germline): Conflicting classifications of pathogenicity. Review status: criteria provided, conflicting classifications (1 of 4 stars). 2 submissions from 2 submitters: Uncertain significance (1); Likely benign (1). Last evaluated 2023-07-03.

Allele frequency attached by ClinVar (database versions not stated): gnomAD 0.00003 and 0.00004; TOPMed 0.00004; ExAC 0.00008; ESP Exome Variant Server 0.00008; gnomAD exomes 0.00008.
gnomAD v4.1: 94 of 1,612,820 alleles (0.0058%); highest among the groups gnomAD compares: Non-Finnish European, 0.0037%; no homozygotes.

Submissions (2):

Labcorp Genetics (formerly Invitae), Labcorp
Classification: Uncertain significance. Last evaluated: 2023-07-03. Review status: criteria provided, single submitter. Criteria: Invitae Variant Classification Sherloc (09022015). Collection method: clinical testing. Allele origin: germline.
Comment: ClinVar contains an entry for this variant (Variation ID: 967909). This variant has not been reported in the literature in individuals affected with SAMD11-related conditions. This variant is present in population databases (rs369456516, gnomAD 0.2%). This sequence change replaces glycine, which is neutral and non-polar, with glutamic acid, which is acidic and polar, at codon 635 of the SAMD11 protein (p.Gly635Glu). Algorithms developed to predict the effect of missense changes on protein structure and function output the following: SIFT: "Not Available"; PolyPhen-2: "Benign"; Align-GVGD: "Not Available". The glutamic acid amino acid residue is found in multiple mammalian species, which suggests that this missense change does not adversely affect protein function. In summary, the available evidence is currently insufficient to determine the role of this variant in disease. Therefore, it has been classified as a Variant of Uncertain Significance.

Blueprint Genetics
Classification: Likely benign. Last evaluated: 2021-10-03. Review status: criteria provided, single submitter. Criteria: ACMG Guidelines, 2015. Collection method: clinical testing. Allele origin: germline.

NM_001385641.1(SAMD11):c.2393G>A (p.Gly798Glu)

Gene: SAMD11 (sterile alpha motif domain containing 11; plus strand). Cytogenetic location: 1p36.33.
Variant type: single nucleotide variant.
Coding change: c.2393G>A on transcript NM_001385641.1 (MANE Select); coding-DNA position 2393, G replaced by A.
Protein change: p.Gly798Glu; replaces glycine 798 with glutamic acid.
Molecular consequence: missense variant.
Genome position (GRCh38, 1-based): chr1:944,011, G>A. VCF-style: chr1-944011-G-A. GRCh37 (hg19) VCF-style: chr1-879391-G-A.
Other names: c.2396G>A, p.Gly799Glu (NM_001385640.1); c.1904G>A, p.Gly635Glu (NM_152486.4); short protein forms G635E, G798E, G799E.
Identifiers: ClinVar variation 967909 (VCV000967909.9), dbSNP rs369456516, ClinGen allele CA503383.